The following is an entry in ClinVar:

NM_000271.5(NPC1):c.2826G>T (p.Trp942Cys)

Gene: NPC1 (NPC intracellular cholesterol transporter 1; minus strand). Cytogenetic location: 18q11.2.
Variant type: single nucleotide variant.
Coding change: c.2826G>T on transcript NM_000271.5 (MANE Select); coding-DNA position 2826, G replaced by T.
Protein change: p.Trp942Cys; replaces tryptophan 942 with cysteine.
Molecular consequence: missense variant.
Genome position (GRCh38, 1-based): chr18:23,539,440, C>A on the plus strand (G>T on the coding strand, the complement: NPC1 is on the minus strand). VCF-style: chr18-23539440-C-A. GRCh37 (hg19) VCF-style: chr18-21119404-C-A.
Other names: short protein forms W942C.
Identifiers: ClinVar variation 4058938 (VCV004058938.3).

ClinVar aggregate classification (germline): Likely pathogenic. Review status: criteria provided, multiple submitters, no conflicts (2 of 4 stars). 2 submissions from 2 submitters: Likely pathogenic (2). Last evaluated 2026-07-29.

Conditions:
Niemann-Pick disease, type C1. Also called: NEUROVISCERAL STORAGE DISEASE WITH VERTICAL SUPRANUCLEAR OPHTHALMOPLEGIA; NIEMANN-PICK DISEASE WITH CHOLESTEROL ESTERIFICATION BLOCK; NIEMANN-PICK DISEASE WITHOUT SPHINGOMYELINASE DEFICIENCY; NIEMANN-PICK DISEASE, CHRONIC NEURONOPATHIC FORM; NIEMANN-PICK DISEASE, VARIANT TYPE C1. Identifiers: Orphanet 646, MedGen C3179455, MONDO:0009757, OMIM 257220.

gnomAD v4.1: 1 of 1,613,616 alleles (0.000062%); highest among the groups gnomAD compares: Non-Finnish European, 0.000085%; no homozygotes.

Submissions (2):

Myriad Genetics, Inc.
Classification: Likely pathogenic for Niemann-Pick disease, type C1. Last evaluated: 2026-07-29. Review status: criteria provided, single submitter. Criteria: Myriad Autosomal Dominant, Autosomal Recessive and X-Linked Classification Criteria (2023). Collection method: clinical testing. Allele origin: unknown.
Comment: NM_000271.4(NPC1):c.2826G>T(W942C) is a missense variant classified as likely pathogenic in the context of Niemann-Pick disease type C1. W942C has been observed in cases with relevant disease (PMID: 11479732, 35892469, 16098014, 37480097, 26771826, 28222799, 30820861). Relevant functional assessments of this variant are available in the literature (PMID: 35190686, 31509197, 31699992). W942C has not been observed in referenced population frequency databases. In summary, NM_000271.4(NPC1):c.2826G>T(W942C) is a missense variant that has been observed more frequently in cases with the relevant disease than in healthy populations. Please note: this variant was assessed in the context of healthy population screening.

Natera, Inc.
Classification: Likely pathogenic for Niemann-Pick disease type C1. Last evaluated: 2025-03-09. Review status: criteria provided, single submitter. Criteria: Natera Variant Classification Schema (03/2026). Collection method: clinical testing. Allele origin: germline.
Comment: The c.2826G>T variant in NPC1 is a missense variant predicted to cause substitution of tryptophan to cysteine at amino acid 942. This variant is rare in the general population with a frequency below the threshold expected for the associated phenotype(s). This variant has been observed in one or more individuals affected with the associated recessive disease, as either homozygous or compound heterozygous with a second variant (PMID: 35892469, 16098014, 11479732, 28222799, 37480097). Computational prediction algorithms indicate this variant is likely to affect gene or protein function. Given the available evidence, this variant is classified as Likely Pathogenic.

Literature cited by the submitters: PubMed 11479732 (cited by Myriad Genetics, Inc. and Natera, Inc.); PubMed 16098014 (cited by Myriad Genetics, Inc. and Natera, Inc.); PubMed 26771826 (cited by Myriad Genetics, Inc.); PubMed 28222799 (cited by Myriad Genetics, Inc. and Natera, Inc.); PubMed 30820861 (cited by Myriad Genetics, Inc.); PubMed 31509197 (cited by Myriad Genetics, Inc.); PubMed 31699992 (cited by Myriad Genetics, Inc.); PubMed 35190686 (cited by Myriad Genetics, Inc.); PubMed 35892469 (cited by Myriad Genetics, Inc. and Natera, Inc.); PubMed 37480097 (cited by Myriad Genetics, Inc. and Natera, Inc.).